The following is an entry in ClinVar:

ClinVar aggregate classification (germline): Uncertain significance (1 of 4 stars; one submission).

gnomAD v4.1: 19 of 1,153,960 alleles (0.0016%); highest among the groups gnomAD compares: African/African-American, 0.027%; no homozygotes.

Submission:

Labcorp Genetics (formerly Invitae), Labcorp
Classification: Uncertain significance. Last evaluated: 2024-07-31. Review status: criteria provided, single submitter. Criteria: Invitae Variant Classification Sherloc (09022015). Collection method: clinical testing. Allele origin: germline.
Comment: This sequence change falls in intron 11 of the TONSL gene. It does not directly change the encoded amino acid sequence of the TONSL protein. It affects a nucleotide within the consensus splice site. The frequency data for this variant in the population databases is considered unreliable, as metrics indicate poor data quality at this position in the gnomAD database. This variant has not been reported in the literature in individuals affected with TONSL-related conditions. Variants that disrupt the consensus splice site are a relatively common cause of aberrant splicing (PMID: 17576681, 9536098). Algorithms developed to predict the effect of sequence changes on RNA splicing suggest that this variant may disrupt the consensus splice site. In summary, the available evidence is currently insufficient to determine the role of this variant in disease. Therefore, it has been classified as a Variant of Uncertain Significance.

Literature cited by the submitters: PubMed 17576681; PubMed 9536098.

NM_013432.5(TONSL):c.1480+3G>T

Gene: TONSL (tonsoku like, DNA repair protein; minus strand). Cytogenetic location: 8q24.3.
Variant type: single nucleotide variant.
Coding change: c.1480+3G>T on transcript NM_013432.5 (MANE Select); 3 bases into the intron after coding-DNA position 1480, G replaced by T.
Molecular consequence: intron variant.
Genome position (GRCh38, 1-based): chr8:144,440,018, C>A on the plus strand (G>T on the coding strand, the complement: TONSL is on the minus strand). VCF-style: chr8-144440018-C-A. GRCh37 (hg19) VCF-style: chr8-145665401-C-A.
Identifiers: ClinVar variation 3671409 (VCV003671409.2).